The following is an entry in ClinVar:

NM_024675.4(PALB2):c.2977A>G (p.Thr993Ala)

Gene: PALB2 (partner and localizer of BRCA2; minus strand). Cytogenetic location: 16p12.2.
Variant type: single nucleotide variant.
Coding change: c.2977A>G on transcript NM_024675.4 (MANE Select); coding-DNA position 2977, A replaced by G.
Protein change: p.Thr993Ala; replaces threonine 993 with alanine.
Molecular consequence: missense variant.
Genome position (GRCh38, 1-based): chr16:23,622,988, T>C on the plus strand (A>G on the coding strand, the complement: PALB2 is on the minus strand). VCF-style: chr16-23622988-T-C. GRCh37 (hg19) VCF-style: chr16-23634309-T-C.
Other names: c.2917A>G, p.Thr973Ala (NM_001407296.1); c.2905A>G, p.Thr969Ala (NM_001407297.1); c.2815A>G, p.Thr939Ala (NM_001407298.1, NM_001407302.1); c.2977A>G, p.Thr993Ala (NM_001407299.1, NM_001407301.1); c.2092A>G, p.Thr698Ala (NM_001407304.1, NM_001407305.1, NM_001407306.1 and 4 more transcripts); c.1930A>G, p.Thr644Ala (NM_001407307.1); c.1189A>G, p.Thr397Ala (NM_001407312.1, NM_001407313.1); c.511A>G, p.Thr171Ala (NM_001407314.1); short protein forms T698A, T973A, T397A, T644A, T969A, T171A, T939A, T993A.
Identifiers: ClinVar variation 1798337 (VCV001798337.2), dbSNP rs2142334618, ClinGen allele CA395143927.

ClinVar aggregate classification (germline): Uncertain significance (1 of 4 stars; one submission).

Conditions:
Hereditary cancer-predisposing syndrome. Also called: Neoplastic Syndromes, Hereditary; Tumor predisposition; Hereditary Cancer Syndrome; Hereditary neoplastic syndrome. Identifiers: Orphanet 140162, MedGen C0027672, MeSH D009386, MONDO:0015356.

Submission:

Ambry Genetics
Classification: Uncertain significance for Hereditary cancer-predisposing syndrome. Last evaluated: 2020-10-29. Review status: criteria provided, single submitter. Criteria: Ambry Variant Classification Scheme 2023. Collection method: clinical testing. Allele origin: germline.
Comment: The p.T993A variant (also known as c.2977A>G), located in coding exon 9 of the PALB2 gene, results from an A to G substitution at nucleotide position 2977. The threonine at codon 993 is replaced by alanine, an amino acid with similar properties. This amino acid position is well conserved in available vertebrate species. In addition, this alteration is predicted to be tolerated by in silico analysis. Since supporting evidence is limited at this time, the clinical significance of this alteration remains unclear.